The following is an entry in ClinVar:

ClinVar aggregate classification (germline): Uncertain significance (1 of 4 stars; one submission).

gnomAD v4.1: 3 of 1,613,892 alleles (0.00019%); highest among the groups gnomAD compares: Non-Finnish European, 0.00017%; no homozygotes.

Submission:

Women's Health and Genetics/Laboratory Corporation of America, LabCorp
Classification: Uncertain significance. Last evaluated: 2026-03-17. Review status: criteria provided, single submitter. Criteria: LabCorp Variant Classification Summary - May 2015. Collection method: clinical testing. Allele origin: germline.
Comment: Variant summary: FBN1 c.6244G>A (p.Glu2082Lys) results in a conservative amino acid change in the encoded protein sequence. Algorithms developed to predict the effect of missense changes on protein structure and function are either unavailable or do not agree on the potential impact of this missense change. The variant was absent in 251098 control chromosomes. The available data on variant occurrences in the general population are insufficient to allow any conclusion about variant significance. To our knowledge, no occurrence of c.6244G>A in individuals affected with FBN1-related conditions and no experimental evidence demonstrating its impact on protein function have been reported. No submitters have cited clinical-significance assessments for this variant to ClinVar. Based on the evidence outlined above, the variant was classified as uncertain significance.

NM_000138.5(FBN1):c.6244G>A (p.Glu2082Lys)

Gene: FBN1 (fibrillin 1; minus strand). Cytogenetic location: 15q21.1.
Variant type: single nucleotide variant.
Coding change: c.6244G>A on transcript NM_000138.5 (MANE Select); coding-DNA position 6244, G replaced by A.
Protein change: p.Glu2082Lys; replaces glutamic acid 2082 with lysine.
Molecular consequence: missense variant.
Genome position (GRCh38, 1-based): chr15:48,437,837, C>T on the plus strand (G>A on the coding strand, the complement: FBN1 is on the minus strand). VCF-style: chr15-48437837-C-T. GRCh37 (hg19) VCF-style: chr15-48730034-C-T.
Other names: c.6244G>A, p.Glu2082Lys (NM_001406716.1); short protein forms E2082K.
Identifiers: ClinVar variation 4847161 (VCV004847161.1).